The following is an entry in ClinVar:

ClinVar aggregate classification (germline): Uncertain significance (1 of 4 stars; one submission).

Conditions:
Juvenile polyposis syndrome (JPS). Identifiers: Orphanet 2929, MedGen C0345893, MONDO:0017380, OMIM 174900.

Allele frequency attached by ClinVar (database versions not stated): TOPMed below 0.00001.

Submission:

Labcorp Genetics (formerly Invitae), Labcorp
Classification: Uncertain significance for Juvenile polyposis syndrome. Last evaluated: 2019-11-14. Review status: criteria provided, single submitter. Criteria: Invitae Variant Classification Sherloc (09022015). Collection method: clinical testing. Allele origin: germline.
Comment: This variant is not present in population databases (ExAC no frequency) and has not been reported in the literature in individuals with a SMAD4-related disease. Nucleotide substitutions within the consensus splice site are relatively common causes of aberrant splicing (PMID: 17576681, 9536098). Algorithms developed to predict the effect of nucleotide changes on RNA splicing suggest that this variant may alter RNA splicing, but this prediction has not been confirmed by published transcriptional studies. In summary, this is a novel intronic change with uncertain impact on splicing. It has been classified as a Variant of Uncertain Significance. This sequence change falls in intron 11 of the SMAD4 gene. It does not directly change the encoded amino acid sequence of the SMAD4 protein, but it affects a nucleotide within the consensus splice site of the intron.

Literature cited by the submitters: PubMed 17576681; PubMed 9536098.

NM_005359.6(SMAD4):c.1447+3A>T

Gene: SMAD4 (SMAD family member 4; plus strand). Cytogenetic location: 18q21.2.
Variant type: single nucleotide variant.
Coding change: c.1447+3A>T on transcript NM_005359.6 (MANE Select); 3 bases into the intron after coding-DNA position 1447, A replaced by T.
Molecular consequence: intron variant.
Genome position (GRCh38, 1-based): chr18:51,076,779, A>T. VCF-style: chr18-51076779-A-T. GRCh37 (hg19) VCF-style: chr18-48603149-A-T.
Identifiers: ClinVar variation 405503 (VCV000405503.8), dbSNP rs754526507, ClinGen allele CA16615804.
Genomic context (GRCh38, chr18:51,076,779, plus strand): 5'-GCCGTGGCAGGAAACATCCCTGGCCCAGGATCAGTAGGTGGAATAGCTCCAGCTATCAGT[A>T]AGTATGCTTTTCATTCTTTTTTAAAGGTATAATAGTTGATATTTTTATCTTGATTTACTC-3'